The following is an entry in ClinVar:

NM_001365276.2(TNXB):c.2545G>C (p.Val849Leu)

Gene: TNXB (tenascin XB; minus strand). Cytogenetic location: 6p21.33.
Variant type: single nucleotide variant.
Coding change: c.2545G>C on transcript NM_001365276.2 (MANE Select); coding-DNA position 2545, G replaced by C.
Protein change: p.Val849Leu; replaces valine 849 with leucine.
Molecular consequence: missense variant.
Genome position (GRCh38, 1-based): chr6:32,089,019, C>G on the plus strand (G>C on the coding strand, the complement: TNXB is on the minus strand). VCF-style: chr6-32089019-C-G. GRCh37 (hg19) VCF-style: chr6-32056796-C-G.
Other names: c.2545G>C, p.Val849Leu (NM_001428335.1, NM_019105.8); short protein forms V849L.
Identifiers: ClinVar variation 4847122 (VCV004847122.1).

ClinVar aggregate classification (germline): Uncertain significance (1 of 4 stars; one submission).

Submission:

Women's Health and Genetics/Laboratory Corporation of America, LabCorp
Classification: Uncertain significance. Last evaluated: 2026-03-18. Review status: criteria provided, single submitter. Criteria: LabCorp Variant Classification Summary - May 2015. Collection method: clinical testing. Allele origin: germline.
Comment: Variant summary: TNXB c.2545G>C (p.Val849Leu) results in a conservative amino acid change in the encoded protein sequence. Algorithms developed to predict the effect of missense changes on protein structure and function all suggest that this variant is likely to be tolerated. The variant was absent in 248226 control chromosomes. The available data on variant occurrences in the general population are insufficient to allow any conclusion about variant significance. To our knowledge, no occurrence of c.2545G>C in individuals affected with TNXB-related conditions and no experimental evidence demonstrating its impact on protein function have been reported. No submitters have cited clinical-significance assessments for this variant to ClinVar. Based on the evidence outlined above, the variant was classified as uncertain significance.